The following is an entry in ClinVar:

ClinVar aggregate classification (germline): Uncertain significance (1 of 4 stars; one submission).

Conditions:
Fanconi anemia complementation group J. Also called: BRIP1-Related Fanconi Anemia. Identifiers: Orphanet 84, MedGen C1836860, MONDO:0012187, OMIM 609054.
Familial cancer of breast. Also called: hereditary breast carcinoma; Hereditary breast cancer; BREAST CANCER, FAMILIAL. Identifiers: Orphanet 227535, MedGen C0346153, MONDO:0016419, OMIM 114480. Disease mechanism: loss of function.

Submission:

Labcorp Genetics (formerly Invitae), Labcorp
Classification: Uncertain significance for Familial cancer of breast; Fanconi anemia complementation group J. Last evaluated: 2025-07-15. Review status: criteria provided, single submitter. Criteria: Invitae Variant Classification Sherloc (09022015). Collection method: clinical testing. Allele origin: germline.
Comment: This sequence change creates a premature translational stop signal (p.Lys1018Argfs*41) in the BRIP1 gene. While this is not anticipated to result in nonsense mediated decay, it is expected to disrupt the last 232 amino acid(s) of the BRIP1 protein. This variant is not present in population databases (gnomAD no frequency). This variant has not been reported in the literature in individuals affected with BRIP1-related conditions. ClinVar contains an entry for this variant (Variation ID: 1507088). In summary, the available evidence is currently insufficient to determine the role of this variant in disease. Therefore, it has been classified as a Variant of Uncertain Significance.

NM_032043.3(BRIP1):c.3053del (p.Lys1018fs)

Gene: BRIP1 (BRCA1 interacting DNA helicase 1; minus strand). Cytogenetic location: 17q23.2.
Variant type: Deletion.
Coding change: c.3053del on transcript NM_032043.3 (MANE Select); coding-DNA position 3053, one base deleted (A; older notation c.3053delA).
Protein change: p.Lys1018fs; shifts the reading frame from lysine 1018.
Molecular consequence: frameshift variant.
Genome position (GRCh38, 1-based): chr17:61,683,993, T deleted on the plus strand (A on the coding strand, the reverse complement: BRIP1 is on the minus strand); the first of 2 consecutive T bases (chr17:61,683,993-61,683,994); deleting either gives the same sequence. VCF-style (leftmost placement, unchanged base first): chr17-61683992-CT-C. GRCh37 (hg19) VCF-style: chr17-59761353-CT-C.
Other names: short protein forms K1018fs.
Identifiers: ClinVar variation 1507088 (VCV001507088.7), dbSNP rs2144090014, ClinGen allele CA2573154338.
Genomic context (GRCh38, chr17:61,683,992, plus strand): 5'-TGTTTTGAAACGGGGAGGACTAGAGGCACTATTCTCTGATGACCCGAGCTCAGGTGTTGC[CT>C]TCGGTATTTTACCAGTAAAATACTGTCCCAAAGAATTAAAGCTTGACCAGCTAACTCTCT-3'